The following is an entry in ClinVar:

NM_001385012.1(NBEA):c.6408A>T (p.Ala2136=)

Gene: NBEA (neurobeachin; plus strand). Cytogenetic location: 13q13.3.
Variant type: single nucleotide variant.
Coding change: c.6408A>T on transcript NM_001385012.1 (MANE Select); coding-DNA position 6408, A replaced by T.
Protein change: p.Ala2136=; no amino-acid change (alanine 2136 retained).
Molecular consequence: synonymous variant.
Genome position (GRCh38, 1-based): chr13:35,452,195, A>T. VCF-style: chr13-35452195-A-T. GRCh37 (hg19) VCF-style: chr13-36026332-A-T.
Other names: c.6399A>T, p.Ala2133= (NM_001379245.1); c.6408A>T, p.Ala2136= (NM_015678.5).
Identifiers: ClinVar variation 4084887 (VCV004084887.8).

ClinVar aggregate classification (germline): Likely benign (1 of 4 stars; one submission).

Submission:

CeGaT Center for Human Genetics Tuebingen
Classification: Likely benign. Last evaluated: 2025-07-01. Review status: criteria provided, single submitter. Criteria: CeGaT Center For Human Genetics Tuebingen Variant Classification Criteria Version 2. Collection method: clinical testing. Allele origin: germline. Affected: yes. Observed: 1 variant allele.
Comment: NBEA: PM2:Supporting, BP4, BP7